The following is an entry in ClinVar:

ClinVar aggregate classification (germline): Uncertain significance (1 of 4 stars; one submission).

Submission:

Labcorp Genetics (formerly Invitae), Labcorp
Classification: Uncertain significance. Last evaluated: 2022-10-04. Review status: criteria provided, single submitter. Criteria: Invitae Variant Classification Sherloc (09022015). Collection method: clinical testing. Allele origin: germline.
Comment: Advanced modeling of protein sequence and biophysical properties (such as structural, functional, and spatial information, amino acid conservation, physicochemical variation, residue mobility, and thermodynamic stability) performed at Invitae indicates that this missense variant is not expected to disrupt MYO7A protein function. In summary, the available evidence is currently insufficient to determine the role of this variant in disease. Therefore, it has been classified as a Variant of Uncertain Significance. This variant has not been reported in the literature in individuals affected with MYO7A-related conditions. This variant is not present in population databases (gnomAD no frequency). This sequence change replaces tyrosine, which is neutral and polar, with histidine, which is basic and polar, at codon 1028 of the MYO7A protein (p.Tyr1028His).

NM_000260.4(MYO7A):c.3082T>C (p.Tyr1028His)

Gene: MYO7A (myosin VIIA; plus strand). Cytogenetic location: 11q13.5.
Variant type: single nucleotide variant.
Coding change: c.3082T>C on transcript NM_000260.4 (MANE Select); coding-DNA position 3082, T replaced by C.
Protein change: p.Tyr1028His; replaces tyrosine 1028 with histidine.
Molecular consequence: missense variant.
Genome position (GRCh38, 1-based): chr11:77,182,128, T>C. VCF-style: chr11-77182128-T-C. GRCh37 (hg19) VCF-style: chr11-76893174-T-C.
Other names: c.3082T>C, p.Tyr1028His (NM_001127180.2); c.3049T>C, p.Tyr1017His (NM_001369365.1); short protein forms Y1028H, Y1017H.
Identifiers: ClinVar variation 2129304 (VCV002129304.4), dbSNP rs2497223976, ClinGen allele CA381944270.